The following is an entry in ClinVar:

ClinVar aggregate classification (germline): Uncertain significance (1 of 4 stars; one submission).

Allele frequency attached by ClinVar (database versions not stated): gnomAD 0.00001; gnomAD exomes 0.00001; TOPMed 0.00001; ExAC 0.00002.
gnomAD v4.1: 6 of 1,578,302 alleles (0.00038%); highest among the groups gnomAD compares: Non-Finnish European, 0.00051%; no homozygotes.

Submission:

Labcorp Genetics (formerly Invitae), Labcorp
Classification: Uncertain significance. Last evaluated: 2025-05-12. Review status: criteria provided, single submitter. Criteria: Invitae Variant Classification Sherloc (09022015). Collection method: clinical testing. Allele origin: germline.
Comment: This sequence change replaces glutamine, which is neutral and polar, with arginine, which is basic and polar, at codon 422 of the PRDM13 protein (p.Gln422Arg). The frequency data for this variant in the population databases is considered unreliable, as metrics indicate poor data quality at this position in the gnomAD database. This variant has not been reported in the literature in individuals affected with PRDM13-related conditions. ClinVar contains an entry for this variant (Variation ID: 1487018). An algorithm developed to predict the effect of missense changes on protein structure and function (PolyPhen-2) suggests that this variant is likely to be tolerated. In summary, the available evidence is currently insufficient to determine the role of this variant in disease. Therefore, it has been classified as a Variant of Uncertain Significance.

NM_021620.4(PRDM13):c.1265A>G (p.Gln422Arg)

Gene: PRDM13 (PR/SET domain 13; plus strand). Cytogenetic location: 6q16.2.
Variant type: single nucleotide variant.
Coding change: c.1265A>G on transcript NM_021620.4 (MANE Select); coding-DNA position 1265, A replaced by G.
Protein change: p.Gln422Arg; replaces glutamine 422 with arginine.
Molecular consequence: missense variant.
Genome position (GRCh38, 1-based): chr6:99,613,900, A>G. VCF-style: chr6-99613900-A-G. GRCh37 (hg19) VCF-style: chr6-100061776-A-G.
Other names: short protein forms Q422R.
Identifiers: ClinVar variation 1487018 (VCV001487018.8), dbSNP rs747172544, ClinGen allele CA3936337.